The following is an entry in ClinVar:

NM_005188.4(CBL):c.2581A>G (p.Ile861Val)

Gene: CBL (Cbl proto-oncogene; plus strand). Cytogenetic location: 11q23.3.
Variant type: single nucleotide variant.
Coding change: c.2581A>G on transcript NM_005188.4 (MANE Select); coding-DNA position 2581, A replaced by G.
Protein change: p.Ile861Val; replaces isoleucine 861 with valine.
Molecular consequence: missense variant.
Genome position (GRCh38, 1-based): chr11:119,299,641, A>G. VCF-style: chr11-119299641-A-G. GRCh37 (hg19) VCF-style: chr11-119170351-A-G.
Other names: c.2581A>G (NM_005188.2); short protein forms I861V.
Identifiers: ClinVar variation 4766659 (VCV004766659.2).

ClinVar aggregate classification (germline): Uncertain significance. Review status: criteria provided, multiple submitters, no conflicts (2 of 4 stars). 2 submissions from 2 submitters: Uncertain significance (2). Last evaluated 2026-06-24.

Conditions:
Cardiovascular phenotype. Identifiers: MedGen CN230736.
RASopathy. Also called: rasopathies; Noonan spectrum disorder. Identifiers: Orphanet 536391, MedGen C5555857, MONDO:0021060.

gnomAD v4.1: 1 of 1,614,170 alleles (0.000062%); highest among the groups gnomAD compares: South Asian, 0.0011%; no homozygotes.

Submissions (2):

Ambry Genetics
Classification: Uncertain significance for Cardiovascular phenotype. Last evaluated: 2026-06-24. Review status: criteria provided, single submitter. Criteria: Ambry Variant Classification Scheme 2023. Collection method: clinical testing. Allele origin: germline.
Comment: The p.I861V variant (also known as c.2581A>G), located in coding exon 16 of the CBL gene, results from an A to G substitution at nucleotide position 2581. The isoleucine at codon 861 is replaced by valine, an amino acid with highly similar properties. This amino acid position is conserved. In addition, this alteration is predicted to be tolerated by in silico analysis. Based on the available evidence, the clinical significance of this variant remains unclear.

Labcorp Genetics (formerly Invitae), Labcorp
Classification: Uncertain significance for RASopathy. Last evaluated: 2025-03-05. Review status: criteria provided, single submitter. Criteria: Invitae Variant Classification Sherloc (09022015). Collection method: clinical testing. Allele origin: germline.
Comment: This sequence change replaces isoleucine, which is neutral and non-polar, with valine, which is neutral and non-polar, at codon 861 of the CBL protein (p.Ile861Val). This variant is present in population databases (rs540480725, gnomAD 0.003%). This variant has not been reported in the literature in individuals affected with CBL-related conditions. Invitae Evidence Modeling of protein sequence and biophysical properties (such as structural, functional, and spatial information, amino acid conservation, physicochemical variation, residue mobility, and thermodynamic stability) indicates that this missense variant is not expected to disrupt CBL protein function with a negative predictive value of 95%. In summary, the available evidence is currently insufficient to determine the role of this variant in disease. Therefore, it has been classified as a Variant of Uncertain Significance.